The following is an entry in ClinVar:

ClinVar aggregate classification (germline): Pathogenic (1 of 4 stars; one submission).

Submission:

Labcorp Genetics (formerly Invitae), Labcorp
Classification: Pathogenic. Last evaluated: 2023-11-12. Review status: criteria provided, single submitter. Criteria: Invitae Variant Classification Sherloc (09022015). Collection method: clinical testing. Allele origin: germline.
Comment: This sequence change affects an acceptor splice site in intron 5 of the TCIRG1 gene. It is expected to disrupt RNA splicing. Variants that disrupt the donor or acceptor splice site typically lead to a loss of protein function (PMID: 16199547), and loss-of-function variants in TCIRG1 are known to be pathogenic (PMID: 10888887, 10942435, 11532986, 19448635). This variant is not present in population databases (gnomAD no frequency). Disruption of this splice site has been observed in individual(s) with TCIRG1-related conditions (PMID: 34210262). In at least one individual the data is consistent with being in trans (on the opposite chromosome) from a pathogenic variant. Algorithms developed to predict the effect of sequence changes on RNA splicing suggest that this variant may disrupt the consensus splice site. For these reasons, this variant has been classified as Pathogenic.

Literature cited by the submitters: PubMed 16199547; PubMed 10888887; PubMed 10942435; PubMed 11532986; PubMed 19448635; PubMed 34210262.

NM_006019.4(TCIRG1):c.504-1G>C

Gene: TCIRG1 (T cell immune regulator 1, ATPase H+ transporting V0 subunit a3; plus strand). Cytogenetic location: 11q13.2.
Variant type: single nucleotide variant.
Coding change: c.504-1G>C on transcript NM_006019.4 (MANE Select); the canonical splice acceptor site of the intron before coding-DNA position 504, G replaced by C.
Molecular consequence: splice acceptor variant. On other transcripts: 5 prime UTR variant (2).
Genome position (GRCh38, 1-based): chr11:68,043,370, G>C. VCF-style: chr11-68043370-G-C. GRCh37 (hg19) VCF-style: chr11-67810837-G-C.
Other names: c.-408G>C (NM_001351059.2); c.-146G>C (NM_006053.4).
Identifiers: ClinVar variation 2780217 (VCV002780217.3), dbSNP rs1184015240, ClinGen allele CA381577080.